The following is an entry in ClinVar:

NM_176869.3(PPA2):c.222+4T>A

Gene: PPA2 (inorganic pyrophosphatase 2; minus strand). Cytogenetic location: 4q24.
Variant type: single nucleotide variant.
Coding change: c.222+4T>A on transcript NM_176869.3 (MANE Select); 4 bases into the intron after coding-DNA position 222, T replaced by A.
Molecular consequence: intron variant.
Genome position (GRCh38, 1-based): chr4:105,456,677, A>T on the plus strand (T>A on the coding strand, the complement: PPA2 is on the minus strand). VCF-style: chr4-105456677-A-T. GRCh37 (hg19) VCF-style: chr4-106377834-A-T.
Other names: c.157+17217T>A (NM_176867.3); c.222+4T>A (NM_176866.2, NM_006903.4).
Identifiers: ClinVar variation 780932 (VCV000780932.16), dbSNP rs200307466, ClinGen allele CA3032683.

ClinVar aggregate classification (germline): Benign/Likely benign. Review status: criteria provided, multiple submitters, no conflicts (2 of 4 stars). 7 submissions from 7 submitters: Benign (2); Likely benign (2). 3 of the submissions do not count toward it. Last evaluated 2026-01-31.

Allele frequency attached by ClinVar (database versions not stated): 1000 Genomes Project 30x 0.00047; 1000 Genomes Project 0.00060; gnomAD 0.00080 and 0.00081; ESP Exome Variant Server 0.00085; gnomAD exomes 0.00103 and 0.00105; TOPMed 0.00120; ExAC 0.00123.
gnomAD v4.1: 1,598 of 1,594,404 alleles (0.1%); highest among the groups gnomAD compares: Admixed American, 0.27%; 5 homozygotes.

Submissions (7):

Labcorp Genetics (formerly Invitae), Labcorp
Classification: Benign. Last evaluated: 2026-01-31. Review status: criteria provided, single submitter. Criteria: Invitae Variant Classification Sherloc (09022015). Collection method: clinical testing. Allele origin: germline.

Women's Health and Genetics/Laboratory Corporation of America, LabCorp
Classification: Benign. Last evaluated: 2025-07-01. Review status: criteria provided, single submitter. Criteria: LabCorp Variant Classification Summary - May 2015. Collection method: clinical testing. Allele origin: germline.
Comment: Variant summary: PPA2 c.222+4T>A alters a conserved nucleotide located close to a canonical splice site and therefore could affect mRNA splicing, leading to a significantly altered protein sequence. Consensus agreement among computation tools predict no significant impact on normal splicing. However, these predictions have yet to be confirmed by functional studies. The variant allele was found at a frequency of 0.001 in 244360 control chromosomes, predominantly at a frequency of 0.003 within the Latino subpopulation in the gnomAD database, including 3 homozygotes. The observed variant frequency within Latino control individuals in the gnomAD database exceeds the estimated maximal expected allele frequency for a pathogenic variant in PPA2 causing an Infantile Sudden Cardiac Failure phenotype. To our knowledge, no occurrence of c.222+4T>A in individuals affected with Infantile Sudden Cardiac Failure and no experimental evidence demonstrating its impact on protein function have been reported. ClinVar contains an entry for this variant (Variation ID: 780932). Based on the evidence outlined above, the variant was classified as benign.

Blueprint Genetics
Classification: Likely benign. Last evaluated: 2024-10-24. Review status: criteria provided, single submitter. Criteria: ACMG Guidelines, 2015. Collection method: clinical testing. Allele origin: germline.

GeneDx
Classification: Likely benign. Last evaluated: 2020-11-24. Review status: criteria provided, single submitter. Criteria: GeneDx Variant Classification Process June 2021. Collection method: clinical testing. Allele origin: germline. Affected: yes.

Clinical Genetics DNA and cytogenetics Diagnostics Lab, Erasmus MC, Erasmus Medical Center
Classification: Likely benign. Review status: no assertion criteria provided. Collection method: clinical testing. Allele origin: germline. Affected: yes. Study: VKGL Data-share Consensus. Not counted in ClinVar's aggregate classification.

Clinical Genetics, Academic Medical Center
Classification: Benign. Review status: no assertion criteria provided. Collection method: clinical testing. Allele origin: germline. Affected: yes. Study: VKGL Data-share Consensus. Not counted in ClinVar's aggregate classification.

Genome Diagnostics Laboratory, University Medical Center Utrecht
Classification: Likely benign. Review status: no assertion criteria provided. Collection method: clinical testing. Allele origin: germline. Affected: yes. Study: VKGL Data-share Consensus. Not counted in ClinVar's aggregate classification.